The following is an entry in ClinVar:

NM_001042492.3(NF1):c.6210_6213del (p.Glu2070fs)

Gene: NF1 (neurofibromin 1; plus strand). Cytogenetic location: 17q11.2.
Variant type: Deletion.
Coding change: c.6210_6213del on transcript NM_001042492.3 (MANE Select); coding-DNA positions 6210 to 6213, 4 bases deleted (ACAA; older notation c.6210_6213delACAA).
Protein change: p.Glu2070fs; shifts the reading frame from glutamic acid 2070.
Molecular consequence: frameshift variant.
Genome position (GRCh38, 1-based): chr17:31,336,697-31,336,700, ACAA deleted; deleting any 4 consecutive bases within chr17:31,336,696-31,336,700 gives the same sequence; the c. name uses the placement nearest the transcript's 3' end. VCF-style (leftmost placement, unchanged base first): chr17-31336695-GAACA-G. GRCh37 (hg19) VCF-style: chr17-29663713-GAACA-G.
Other names: c.6147_6150delACAA, p.Glu2049Aspfs (NM_000267.4); short protein forms E2070fs, E2049fs.
Identifiers: ClinVar variation 3661921 (VCV003661921.2).

ClinVar aggregate classification (germline): Pathogenic (1 of 4 stars; one submission).

Conditions:
Neurofibromatosis, type 1 (NF1). Also called: Peripheral type neurofibromatosis; VON RECKLINGHAUSEN DISEASE; NEUROFIBROMATOSIS, TYPE I, SOMATIC; Neurofibromatosis, type I. Identifiers: Orphanet 636, MedGen C0027831, MONDO:0018975, OMIM 162200. Disease mechanism: loss of function.

Submission:

Labcorp Genetics (formerly Invitae), Labcorp
Classification: Pathogenic for Neurofibromatosis, type 1. Last evaluated: 2024-08-11. Review status: criteria provided, single submitter. Criteria: Invitae Variant Classification Sherloc (09022015). Collection method: clinical testing. Allele origin: germline.
Comment: This sequence change creates a premature translational stop signal (p.Glu2049Aspfs*11) in the NF1 gene. It is expected to result in an absent or disrupted protein product. Loss-of-function variants in NF1 are known to be pathogenic (PMID: 10712197, 23913538). This variant is not present in population databases (gnomAD no frequency). This variant has not been reported in the literature in individuals affected with NF1-related conditions. Algorithms developed to predict the effect of sequence changes on RNA splicing suggest that this variant may disrupt the consensus splice site. For these reasons, this variant has been classified as Pathogenic.

Literature cited by the submitters: PubMed 10712197; PubMed 23913538.